The following is an entry in ClinVar:

ClinVar aggregate classification (germline): Likely pathogenic (1 of 4 stars; one submission).

Conditions:
Familial adenomatous polyposis 4 (FAP4). Also called: MSH3-related attenuated familial adenomatous polyposis. Identifiers: Orphanet 480536, MedGen C4310719, MONDO:0044300, OMIM 617100.

Submission:

Myriad Genetics, Inc.
Classification: Likely pathogenic for Familial adenomatous polyposis 4. Last evaluated: 2023-08-29. Review status: criteria provided, single submitter. Criteria: Myriad Autosomal Dominant, Autosomal Recessive and X-Linked Classification Criteria (2023). Collection method: clinical testing. Allele origin: unknown.
Comment: This variant is considered likely pathogenic. This variant occurs within a consensus splice junction and is predicted to result in abnormal mRNA splicing of either an out-of-frame exon or an in-frame exon necessary for protein stability and/or normal function.

NM_002439.5(MSH3):c.579+1G>T

Gene: MSH3 (mutS homolog 3; plus strand). Cytogenetic location: 5q14.1.
Variant type: single nucleotide variant.
Coding change: c.579+1G>T on transcript NM_002439.5 (MANE Select); the canonical splice donor site of the intron after coding-DNA position 579, G replaced by T.
Molecular consequence: splice donor variant.
Genome position (GRCh38, 1-based): chr5:80,665,364, G>T. VCF-style: chr5-80665364-G-T. GRCh37 (hg19) VCF-style: chr5-79961183-G-T.
Identifiers: ClinVar variation 2673489 (VCV002673489.1), dbSNP rs2112809006, ClinGen allele CA360264657.